The following is an entry in ClinVar:

NM_003784.4(SERPINB7):c.382C>T (p.Arg128Ter)

Gene: SERPINB7 (serpin family B member 7; plus strand). Cytogenetic location: 18q21.33.
Variant type: single nucleotide variant.
Coding change: c.382C>T on transcript NM_003784.4 (MANE Select); coding-DNA position 382, C replaced by T.
Protein change: p.Arg128Ter; replaces arginine 128 with a stop codon.
Molecular consequence: nonsense.
Genome position (GRCh38, 1-based): chr18:63,796,311, C>T. VCF-style: chr18-63796311-C-T. GRCh37 (hg19) VCF-style: chr18-61463545-C-T.
Other names: c.382C>T, p.Arg128Ter (NM_001040147.3, NM_001261830.2); c.331C>T, p.Arg111Ter (NM_001261831.2); short protein forms R111*, R128*.
Identifiers: ClinVar variation 4982299 (VCV004982299.1).

ClinVar aggregate classification (germline): Pathogenic (1 of 4 stars; one submission).

Conditions:
SERPINB7-related disorder. Also called: SERPINB7-related condition.

gnomAD v4.1: 11 of 1,612,764 alleles (0.00068%); highest among the groups gnomAD compares: East Asian, 0.0067%; no homozygotes.

Submission:

PreventionGenetics, part of Exact Sciences
Classification: Pathogenic for SERPINB7-related condition. Last evaluated: 2025-07-18. Review status: criteria provided, single submitter. Criteria: ACMG Guidelines, 2015. Collection method: clinical testing. Allele origin: germline.
Comment: The SERPINB7 c.382C>T variant is predicted to result in premature protein termination (p.Arg128*). This variant has been reported along with a known pathogenic variant in two individuals with Nagashima-type Palmoplantar keratosis (Katsuno et al. 2017. PubMed ID: 28439958; Korekawa et al. 2018. PubMed ID: 30256384). This variant is present in 0.00088% of alleles in individuals of European (non-Finnish) descent in gnomAD. Nonsense variants in SERPINB7 are an established mechanism of disease. This variant is interpreted as pathogenic.